The following is an entry in ClinVar:

NM_006031.6(PCNT):c.8884G>A (p.Gly2962Ser)

Gene: PCNT (pericentrin; plus strand). Cytogenetic location: 21q22.3.
Variant type: single nucleotide variant.
Coding change: c.8884G>A on transcript NM_006031.6 (MANE Select); coding-DNA position 8884, G replaced by A.
Protein change: p.Gly2962Ser; replaces glycine 2962 with serine.
Molecular consequence: missense variant.
Genome position (GRCh38, 1-based): chr21:46,436,036, G>A. VCF-style: chr21-46436036-G-A. GRCh37 (hg19) VCF-style: chr21-47855949-G-A.
Other names: c.8293G>A, p.Gly2765Ser (NM_001315529.2); short protein forms G2962S, G2765S.
Identifiers: ClinVar variation 1359429 (VCV001359429.3), dbSNP rs542238990, ClinGen allele CA10081109.

ClinVar aggregate classification (germline): Uncertain significance (1 of 4 stars; one submission).

Allele frequency attached by ClinVar (database versions not stated): gnomAD 0.00003; 1000 Genomes Project 0.00020; 1000 Genomes Project 30x 0.00031.
gnomAD v4.1: 36 of 1,613,944 alleles (0.0022%); highest among the groups gnomAD compares: East Asian, 0.06%; no homozygotes.

Submission:

Labcorp Genetics (formerly Invitae), Labcorp
Classification: Uncertain significance. Last evaluated: 2021-08-16. Review status: criteria provided, single submitter. Criteria: Invitae Variant Classification Sherloc (09022015). Collection method: clinical testing. Allele origin: germline.
Comment: This sequence change replaces glycine with serine at codon 2962 of the PCNT protein (p.Gly2962Ser). The glycine residue is weakly conserved and there is a small physicochemical difference between glycine and serine. This variant is present in population databases (rs542238990, ExAC 0.2%). This variant has not been reported in the literature in individuals affected with PCNT-related conditions. Algorithms developed to predict the effect of missense changes on protein structure and function output the following: SIFT: "Tolerated"; PolyPhen-2: "Benign"; Align-GVGD: "Class C0". The serine amino acid residue is found in multiple mammalian species, which suggests that this missense change does not adversely affect protein function. In summary, the available evidence is currently insufficient to determine the role of this variant in disease. Therefore, it has been classified as a Variant of Uncertain Significance.